The following is an entry in ClinVar:

NM_000744.7(CHRNA4):c.841G>A (p.Val281Met)

Gene: CHRNA4 (cholinergic receptor nicotinic alpha 4 subunit; minus strand). Cytogenetic location: 20q13.33.
Variant type: single nucleotide variant.
Coding change: c.841G>A on transcript NM_000744.7 (MANE Select); coding-DNA position 841, G replaced by A.
Protein change: p.Val281Met; replaces valine 281 with methionine.
Molecular consequence: missense variant. On other transcripts: non-coding transcript variant (1).
Genome position (GRCh38, 1-based): chr20:63,350,570, C>T on the plus strand (G>A on the coding strand, the complement: CHRNA4 is on the minus strand). VCF-style: chr20-63350570-C-T. GRCh37 (hg19) VCF-style: chr20-61981922-C-T.
Other names: c.313G>A, p.Val105Met (NM_001256573.2); short protein forms V105M, V281M.
Identifiers: ClinVar variation 661894 (VCV000661894.10), dbSNP rs764238999, ClinGen allele CA9957716.

ClinVar aggregate classification (germline): Conflicting classifications of pathogenicity. Review status: criteria provided, conflicting classifications (1 of 4 stars). 2 submissions from 2 submitters: Likely pathogenic (1); Likely benign (1). Last evaluated 2024-04-22.

Conditions:
Familial sleep-related hypermotor epilepsy. Also called: Autosomal Dominant Sleep-Related Hypermotor (Hyperkinetic) Epilepsy. Identifiers: Orphanet 98784, MedGen C3696898, MONDO:0000030.

Allele frequency attached by ClinVar (database versions not stated): TOPMed below 0.00001; ExAC 0.00002; gnomAD 0.00001; gnomAD exomes 0.00001.
gnomAD v4.1: 9 of 1,613,740 alleles (0.00056%); highest among the groups gnomAD compares: South Asian, 0.0022%; no homozygotes.

Submissions (2):

Labcorp Genetics (formerly Invitae), Labcorp
Classification: Likely benign. Last evaluated: 2024-04-22. Review status: criteria provided, single submitter. Criteria: Invitae Variant Classification Sherloc (09022015). Collection method: clinical testing. Allele origin: germline.

GeneDx
Classification: Likely pathogenic. Last evaluated: 2022-07-12. Review status: criteria provided, single submitter. Criteria: GeneDx Variant Classification Process June 2021. Collection method: clinical testing. Allele origin: germline. Affected: yes.
Comment: Not observed at significant frequency in large population cohorts (gnomAD); In silico analysis supports that this missense variant has a deleterious effect on protein structure/function; This variant is associated with the following publications: (PMID: 28135719, 31785789)